The following is an entry in ClinVar:

ClinVar aggregate classification (germline): Conflicting classifications of pathogenicity. Review status: criteria provided, conflicting classifications (1 of 4 stars). 5 submissions from 5 submitters: Uncertain significance (4); Likely benign (1). Last evaluated 2025-08-20.

Conditions:
ATP1A2-related disorder. Also called: ATP1A2-related condition; ATP1A2-RELATED DISORDERS.
Fetal akinesia, respiratory insufficiency, microcephaly, polymicrogyria, and dysmorphic facies. Identifiers: MedGen C5562015, MONDO:0859204, OMIM 619602.
Familial hemiplegic migraine. Identifiers: MedGen C0338484, MONDO:0000700.

Allele frequency attached by ClinVar (database versions not stated): gnomAD 0.00003; TOPMed 0.00005.
gnomAD v4.1: 50 of 1,614,182 alleles (0.0031%); highest among the groups gnomAD compares: Middle Eastern, 0.033%; no homozygotes.

Submissions (5):

Labcorp Genetics (formerly Invitae), Labcorp
Classification: Uncertain significance for Familial hemiplegic migraine. Last evaluated: 2025-08-20. Review status: criteria provided, single submitter. Criteria: Invitae Variant Classification Sherloc (09022015). Collection method: clinical testing. Allele origin: germline.
Comment: This sequence change replaces arginine, which is basic and polar, with glutamine, which is neutral and polar, at codon 564 of the ATP1A2 protein (p.Arg564Gln). This variant is present in population databases (rs765936799, gnomAD 0.009%). This variant has not been reported in the literature in individuals affected with ATP1A2-related conditions. ClinVar contains an entry for this variant (Variation ID: 204891). Invitae Evidence Modeling of protein sequence and biophysical properties (such as structural, functional, and spatial information, amino acid conservation, physicochemical variation, residue mobility, and thermodynamic stability) indicates that this missense variant is not expected to disrupt ATP1A2 protein function with a negative predictive value of 95%. In summary, the available evidence is currently insufficient to determine the role of this variant in disease. Therefore, it has been classified as a Variant of Uncertain Significance.

PreventionGenetics, part of Exact Sciences
Classification: Uncertain significance for ATP1A2-related condition. Last evaluated: 2025-05-22. Review status: criteria provided, single submitter. Criteria: ACMG Guidelines, 2015. Collection method: clinical testing. Allele origin: germline.
Comment: The ATP1A2 c.1691G>A variant is predicted to result in the amino acid substitution p.Arg564Gln. To our knowledge, this variant has not been reported in the literature. This variant is reported in 0.0085% of alleles in individuals of Latino descent in gnomAD. At this time, the clinical significance of this variant is uncertain due to the absence of conclusive functional and genetic evidence.

3billion
Classification: Likely benign for Fetal akinesia, respiratory insufficiency, microcephaly, polymicrogyria, and dysmorphic facies. Last evaluated: 2024-09-20. Review status: criteria provided, single submitter. Criteria: ACMG Guidelines, 2015. Collection method: clinical testing. Allele origin: germline. Affected: no.
Comment: The homozygous variant was found in patients diagnosed with another variant in a different gene, with no symptoms related to the gene containing the homozygous variant.

GeneDx
Classification: Uncertain significance. Last evaluated: 2017-06-05. Review status: criteria provided, single submitter. Criteria: GeneDx Variant Classification (06012015). Collection method: clinical testing. Allele origin: germline. Affected: yes.
Comment: A variant of uncertain significance has been identified in the ATP1A2 gene. The R564Q variant has not been published as a pathogenic variant, nor has it been reported as a benign variant to our knowledge. The R564Q variant is not observed at a significant frequency in large population cohorts (Lek et al., 2016; 1000 Genomes Consortium et al., 2015; Exome Variant Server). The R564Q variant is a semi-conservative amino acid substitution, which may impact secondary protein structure as these residues differ in some properties. This substitution occurs at a position that is conserved in mammals. In silico analysis is inconsistent in its predictions as to whether or not the variant is damaging to the protein structure/function. Therefore, based on the currently available information, it is unclear whether this variant is a pathogenic variant or a rare benign variant.

Breakthrough Genomics
Classification: Uncertain significance. Review status: criteria provided, single submitter. Criteria: ACMG Guidelines, 2015. Collection method: not provided. Allele origin: germline. Inheritance: Autosomal recessive inheritance. Affected: yes.

NM_000702.4(ATP1A2):c.1691G>A (p.Arg564Gln)

Gene: ATP1A2 (ATPase Na+/K+ transporting subunit alpha 2; plus strand). Cytogenetic location: 1q23.2.
Variant type: single nucleotide variant.
Coding change: c.1691G>A on transcript NM_000702.4 (MANE Select); coding-DNA position 1691, G replaced by A.
Protein change: p.Arg564Gln; replaces arginine 564 with glutamine.
Molecular consequence: missense variant.
Genome position (GRCh38, 1-based): chr1:160,130,461, G>A. VCF-style: chr1-160130461-G-A. GRCh37 (hg19) VCF-style: chr1-160100251-G-A.
Other names: p.R564Q:CGG>CAG; short protein forms R564Q.
Identifiers: ClinVar variation 204891 (VCV000204891.15), dbSNP rs765936799, ClinGen allele CA313292.